The following is an entry in ClinVar:

NM_018089.3(ANKZF1):c.1741C>T (p.Arg581Cys)

Gene: ANKZF1 (ankyrin repeat and zinc finger peptidyl tRNA hydrolase 1; plus strand). Cytogenetic location: 2q35.
Variant type: single nucleotide variant.
Coding change: c.1741C>T on transcript NM_018089.3 (MANE Select); coding-DNA position 1741, C replaced by T.
Protein change: p.Arg581Cys; replaces arginine 581 with cysteine.
Molecular consequence: missense variant.
Genome position (GRCh38, 1-based): chr2:219,235,523, C>T. VCF-style: chr2-219235523-C-T. GRCh37 (hg19) VCF-style: chr2-220100245-C-T.
Other names: c.1741C>T, p.Arg581Cys (NM_001042410.2); c.1111C>T, p.Arg371Cys (NM_001282792.2); short protein forms R581C, R371C.
Identifiers: ClinVar variation 1495447 (VCV001495447.8), dbSNP rs376079232, ClinGen allele CA2121154.
Genomic context (GRCh38, chr2:219,235,523, plus strand): 5'-TTTGCACCTAGGGACTCTCGGGCCCGGCCACCTTATACTGTTGCGGCTGACAAATCAACA[C>T]GTAATGAGTTCCGAAGGTTCATGGAGAAGAATCCAGATGCCTACGATTACAACAAGGCTC-3'
Protein context (NP_060559.2, residues 571-591): PYTVAADKST[Arg581Cys]NEFRRFMEKN

ClinVar aggregate classification (germline): Uncertain significance (1 of 4 stars; one submission).

Allele frequency attached by ClinVar (database versions not stated): TOPMed 0.00002; ESP Exome Variant Server 0.00008; gnomAD 0.00001; ExAC 0.00002.
gnomAD v4.1: 17 of 1,613,798 alleles (0.0011%); highest among the groups gnomAD compares: South Asian, 0.0077%; no homozygotes.

Submission:

Labcorp Genetics (formerly Invitae), Labcorp
Classification: Uncertain significance. Last evaluated: 2023-10-05. Review status: criteria provided, single submitter. Criteria: Invitae Variant Classification Sherloc (09022015). Collection method: clinical testing. Allele origin: germline.
Comment: This sequence change replaces arginine, which is basic and polar, with cysteine, which is neutral and slightly polar, at codon 581 of the ANKZF1 protein (p.Arg581Cys). This variant is present in population databases (rs376079232, gnomAD 0.01%). This variant has not been reported in the literature in individuals affected with ANKZF1-related conditions. ClinVar contains an entry for this variant (Variation ID: 1495447). An algorithm developed to predict the effect of missense changes on protein structure and function (PolyPhen-2) suggests that this variant is likely to be disruptive. In summary, the available evidence is currently insufficient to determine the role of this variant in disease. Therefore, it has been classified as a Variant of Uncertain Significance.